The following is an entry in ClinVar:

ClinVar aggregate classification (germline): Uncertain significance (1 of 4 stars; one submission).

Conditions:
DICER1-related tumor predisposition. Also called: DICER1 syndrome; DICER1-related pleuropulmonary blastoma cancer predisposition syndrome. Identifiers: Orphanet 284343, MedGen C3839822, MONDO:0100216.

Submission:

Labcorp Genetics (formerly Invitae), Labcorp
Classification: Uncertain significance for DICER1-related tumor predisposition. Last evaluated: 2022-07-17. Review status: criteria provided, single submitter. Criteria: Invitae Variant Classification Sherloc (09022015). Collection method: clinical testing. Allele origin: germline.
Comment: This variant has not been reported in the literature in individuals affected with DICER1-related conditions. This variant is not present in population databases (gnomAD no frequency). This sequence change replaces glutamic acid, which is acidic and polar, with lysine, which is basic and polar, at codon 784 of the DICER1 protein (p.Glu784Lys). In summary, the available evidence is currently insufficient to determine the role of this variant in disease. Therefore, it has been classified as a Variant of Uncertain Significance. Algorithms developed to predict the effect of missense changes on protein structure and function are either unavailable or do not agree on the potential impact of this missense change (SIFT: "Tolerated"; PolyPhen-2: "Probably Damaging"; Align-GVGD: "Class C0"). ClinVar contains an entry for this variant (Variation ID: 1064381).

NM_177438.3(DICER1):c.2350G>A (p.Glu784Lys)

Gene: DICER1 (dicer 1, ribonuclease III; minus strand). Cytogenetic location: 14q32.13.
Variant type: single nucleotide variant.
Coding change: c.2350G>A on transcript NM_177438.3 (MANE Select); coding-DNA position 2350, G replaced by A.
Protein change: p.Glu784Lys; replaces glutamic acid 784 with lysine.
Molecular consequence: missense variant.
Genome position (GRCh38, 1-based): chr14:95,108,410, C>T on the plus strand (G>A on the coding strand, the complement: DICER1 is on the minus strand). VCF-style: chr14-95108410-C-T. GRCh37 (hg19) VCF-style: chr14-95574747-C-T.
Other names: c.2350G>A, p.Glu784Lys (NM_001195573.1, NM_001271282.3, NM_001291628.2 and 1 more transcripts); short protein forms E784K.
Identifiers: ClinVar variation 1064381 (VCV001064381.10), dbSNP rs1131691210, ClinGen allele CA390882236.